The following is an entry in ClinVar:

ClinVar aggregate classification (germline): Benign/Likely benign. Review status: criteria provided, multiple submitters, no conflicts (2 of 4 stars). 6 submissions from 5 submitters: Benign (5); Likely benign (1). Last evaluated 2026-05-01.

Conditions:
Diffuse nonepidermolytic palmoplantar keratoderma (NEPPK). Also called: Nonepidermolytic palmoplantar keratoderma; Nonepidermolytic palmoplantar hyperkeratosis. Identifiers: Orphanet 530838, MedGen C1833030, MONDO:0010962, OMIM 600962, HP:0007404.
Epidermolytic ichthyosis. Also called: Epidermolytic Hyperkeratosis; Congenital bullous ichthyosiform erythroderma; KRT10-Related Epidermolytic Hyperkeratosis; Bullous ichthyosiform erythroderma. Identifiers: Orphanet 312, MedGen C0079153, MONDO:0007239, HP:0007475.

Allele frequency attached by ClinVar (database versions not stated): 1000 Genomes Project 30x 0.00265; 1000 Genomes Project 0.00280; ExAC 0.00511; gnomAD exomes 0.00560; gnomAD 0.00687 and 0.00713; ESP Exome Variant Server 0.00946.
gnomAD v4.1: 15,858 of 1,614,192 alleles (0.98%); highest among the groups gnomAD compares: Non-Finnish European, 1.2%; 103 homozygotes.

Submissions (6):

CeGaT Center for Human Genetics Tuebingen
Classification: Benign. Last evaluated: 2026-05-01. Review status: criteria provided, single submitter. Criteria: CeGaT Center For Human Genetics Tuebingen Variant Classification Criteria Version 2. Collection method: clinical testing. Allele origin: germline. Affected: yes. Observed: 4 variant alleles.
Comment: KRT1: BP4, BP7, BS1, BS2

Labcorp Genetics (formerly Invitae), Labcorp
Classification: Benign. Last evaluated: 2025-12-25. Review status: criteria provided, single submitter. Criteria: Invitae Variant Classification Sherloc (09022015). Collection method: clinical testing. Allele origin: germline.

Blueprint Genetics
Classification: Likely benign. Last evaluated: 2024-11-25. Review status: criteria provided, single submitter. Criteria: ACMG Guidelines, 2015. Collection method: clinical testing. Allele origin: germline.

Illumina Laboratory Services, Illumina
Classification: Benign for Diffuse nonepidermolytic palmoplantar keratoderma. Last evaluated: 2018-01-12. Review status: criteria provided, single submitter. Criteria: ICSL Variant Classification Criteria 13 December 2019. Collection method: clinical testing. Allele origin: germline.
Comment: This variant was observed in the ICSL laboratory as part of a predisposition screen in an ostensibly healthy population. It had not been previously curated by ICSL or reported in the Human Gene Mutation Database (HGMD: prior to June 1st, 2018), and was therefore a candidate for classification through an automated scoring system. Utilizing variant allele frequency, disease prevalence and penetrance estimates, and inheritance mode, an automated score was calculated to assess if this variant is too frequent to cause the disease. Based on the score and internal cut-off values, a variant classified as benign is not then subjected to further curation. The score for this variant resulted in a classification of benign for this disease.

Illumina Laboratory Services, Illumina
Classification: Benign for Epidermolytic hyperkeratosis 1. Last evaluated: 2018-01-12. Review status: criteria provided, single submitter. Criteria: ICSL Variant Classification Criteria 13 December 2019. Collection method: clinical testing. Allele origin: germline.
Comment: the same text as in the submission from Illumina Laboratory Services, Illumina above.

Breakthrough Genomics
Classification: Benign. Review status: criteria provided, single submitter. Criteria: ACMG Guidelines, 2015. Collection method: not provided. Allele origin: germline. Inheritance: Autosomal dominant inheritance. Affected: yes.

NM_006121.4(KRT1):c.762G>A (p.Ser254=)

Gene: KRT1 (keratin 1; minus strand). Cytogenetic location: 12q13.13.
Variant type: single nucleotide variant.
Coding change: c.762G>A on transcript NM_006121.4 (MANE Select); coding-DNA position 762, G replaced by A.
Protein change: p.Ser254=; no amino-acid change (serine 254 retained).
Molecular consequence: synonymous variant.
Genome position (GRCh38, 1-based): chr12:52,678,586, C>T on the plus strand (G>A on the coding strand, the complement: KRT1 is on the minus strand). VCF-style: chr12-52678586-C-T. GRCh37 (hg19) VCF-style: chr12-53072370-C-T.
Identifiers: ClinVar variation 309649 (VCV000309649.44), dbSNP rs2741155, ClinGen allele CA6586376.